The following is an entry in ClinVar:

ClinVar aggregate classification (germline): Pathogenic. Review status: criteria provided, multiple submitters, no conflicts (2 of 4 stars). 6 submissions from 6 submitters: Pathogenic (6). Last evaluated 2024-06-11.

Conditions:
Inborn genetic diseases. Identifiers: MedGen C0950123, MeSH D030342.
Autosomal recessive distal spinal muscular atrophy 1. Also called: Spinal muscular atrophy with respiratory distress 1; NEURONOPATHY, DISTAL HEREDITARY MOTOR, HARDING TYPE VI; NEUROPATHY, DISTAL HEREDITARY MOTOR, AUTOSOMAL RECESSIVE 1; HMN VI; NEURONOPATHY, SEVERE INFANTILE AXONAL, WITH RESPIRATORY FAILURE; SEVERE INFANTILE AXONAL NEUROPATHY WITH RESPIRATORY FAILURE. Identifiers: Orphanet 98920, MedGen C1858517, MONDO:0011436, OMIM 604320.
Charcot-Marie-Tooth disease axonal type 2S. Also called: CHARCOT-MARIE-TOOTH NEUROPATHY, TYPE 2S; CHARCOT-MARIE-TOOTH DISEASE, AXONAL, AUTOSOMAL RECESSIVE, TYPE 2S. Identifiers: Orphanet 443073, MedGen C4015349, MONDO:0014511, OMIM 616155.
IGHMBP2-related disorder. Also called: IGHMBP2-related disorders; IGHMBP2-related condition.

Allele frequency attached by ClinVar (database versions not stated): gnomAD exomes 0.00001; ExAC 0.00002; TOPMed 0.00002; gnomAD 0.00003 and 0.00004.
gnomAD v4.1: 40 of 1,613,226 alleles (0.0025%); highest among the groups gnomAD compares: Non-Finnish European, 0.0032%; no homozygotes.

Submissions (6):

Fulgent Genetics
Classification: Pathogenic for Autosomal recessive distal spinal muscular atrophy 1; Charcot-Marie-Tooth disease axonal type 2S. Last evaluated: 2024-06-11. Review status: criteria provided, single submitter. Criteria: ACMG Guidelines, 2015. Collection method: clinical testing. Allele origin: germline.

Labcorp Genetics (formerly Invitae), Labcorp
Classification: Pathogenic for Autosomal recessive distal spinal muscular atrophy 1; Charcot-Marie-Tooth disease axonal type 2S. Last evaluated: 2024-05-01. Review status: criteria provided, single submitter. Criteria: Invitae Variant Classification Sherloc (09022015). Collection method: clinical testing. Allele origin: germline.
Comment: This sequence change creates a premature translational stop signal (p.Arg790*) in the IGHMBP2 gene. It is expected to result in an absent or disrupted protein product. Loss-of-function variants in IGHMBP2 are known to be pathogenic (PMID: 14681881, 25439726, 25568292). This variant is present in population databases (rs773242930, gnomAD 0.006%). This premature translational stop signal has been observed in individual(s) with Charcot-Marie-Tooth disease and/or spinal muscular atrophy with respiratory distress (SMARD) (PMID: 15108294, 30373780). ClinVar contains an entry for this variant (Variation ID: 488695). For these reasons, this variant has been classified as Pathogenic.

GeneDx
Classification: Pathogenic. Last evaluated: 2022-11-14. Review status: criteria provided, single submitter. Criteria: GeneDx Variant Classification Process June 2021. Collection method: clinical testing. Allele origin: germline. Affected: yes.
Comment: Nonsense variant predicted to result in protein truncation or nonsense mediated decay in a gene for which loss of function is a known mechanism of disease; Reported with a second variant in the IGHMBP2 gene in patients with SMARD1 and axonal Charcot-Marie Tooth (CMT2) in published literature; however, segregation information was not provided (Viguier et al., 2019; Bacquet et al., 2018); Not observed at significant frequency in large population cohorts (gnomAD); This variant is associated with the following publications: (PMID: 25525159, 15108294, 30373780, 30598237, 33210134)

Blueprint Genetics
Classification: Pathogenic for IGHMBP2-related disorders. Last evaluated: 2021-07-06. Review status: criteria provided, single submitter. Criteria: ACMG Guidelines, 2015. Collection method: clinical testing. Allele origin: germline. Affected: yes. Observed: 1 variant allele.

Revvity Omics, Revvity
Classification: Pathogenic. Last evaluated: 2021-03-29. Review status: criteria provided, single submitter. Criteria: ACMG Guidelines, 2015. Collection method: clinical testing. Allele origin: germline.

Ambry Genetics
Classification: Pathogenic for Inborn genetic diseases. Last evaluated: 2020-08-04. Review status: criteria provided, single submitter. Criteria: Ambry Variant Classification Scheme 2023. Collection method: clinical testing. Allele origin: germline.
Comment: The p.R790* pathogenic mutation (also known as c.2368C>T), located in coding exon 13 of the IGHMBP2 gene, results from a C to T substitution at nucleotide position 2368. This changes the amino acid from an arginine to a stop codon within coding exon 13. This mutation has been reported with a second IGHMBP2 alteration in patients with infantile onset spinal muscular atrophy and respiratory distress syndrome, type 1 (SMARD1) and childhood onset Charcot-Marie-Tooth disease, type 2 (CMT2) (Maystadt I et al. Hum. Mutat., 2004 May;23:525-6; Bacquet J et al. BMJ Open, 2018 10;8:e021632). In addition to the clinical data presented in the literature, this alteration is expected to result in loss of function by premature protein truncation or nonsense-mediated mRNA decay. As such, this alteration is interpreted as a disease-causing mutation.

Literature cited by the submitters: PubMed 14681881 (cited by Labcorp Genetics (formerly Invitae), Labcorp); PubMed 25439726 (cited by Labcorp Genetics (formerly Invitae), Labcorp); PubMed 25568292 (cited by Labcorp Genetics (formerly Invitae), Labcorp); PubMed 15108294 (cited by Labcorp Genetics (formerly Invitae), Labcorp and Ambry Genetics); PubMed 30373780 (cited by Labcorp Genetics (formerly Invitae), Labcorp and Ambry Genetics).

NM_002180.3(IGHMBP2):c.2368C>T (p.Arg790Ter)

Gene: IGHMBP2 (immunoglobulin mu DNA binding protein 2; plus strand). Cytogenetic location: 11q13.3.
Variant type: single nucleotide variant.
Coding change: c.2368C>T on transcript NM_002180.3 (MANE Select); coding-DNA position 2368, C replaced by T.
Protein change: p.Arg790Ter; replaces arginine 790 with a stop codon.
Molecular consequence: nonsense.
Genome position (GRCh38, 1-based): chr11:68,936,848, C>T. VCF-style: chr11-68936848-C-T. GRCh37 (hg19) VCF-style: chr11-68704316-C-T.
Other names: short protein forms R790*.
Identifiers: ClinVar variation 488695 (VCV000488695.19), dbSNP rs773242930, ClinGen allele CA6153896.